The following is an entry in ClinVar:

ClinVar aggregate classification (germline): Pathogenic/Likely pathogenic. Review status: criteria provided, multiple submitters, no conflicts (2 of 4 stars). 2 submissions from 2 submitters: Pathogenic (1); Likely pathogenic (1). Last evaluated 2026-01-18.

Conditions:
Familial infantile myasthenia (CMS6). Also called: MYASTHENIC SYNDROME, PRESYNAPTIC, CONGENITAL, ASSOCIATED WITH EPISODIC APNEA; Congenital myasthenic syndrome type 6; MYASTHENIC SYNDROME, CONGENITAL, 6, PRESYNAPTIC. Identifiers: Orphanet 590, MedGen C0393929, MONDO:0009689, OMIM 254210.

Submissions (2):

Labcorp Genetics (formerly Invitae), Labcorp
Classification: Pathogenic for Familial infantile myasthenia. Last evaluated: 2026-01-18. Review status: criteria provided, single submitter. Criteria: Invitae Variant Classification Sherloc (09022015). Collection method: clinical testing. Allele origin: germline.
Comment: This sequence change creates a premature translational stop signal (p.Gln158*) in the CHAT gene. It is expected to result in an absent or disrupted protein product. Loss-of-function variants in CHAT are known to be pathogenic (PMID: 12548525, 21786365, 23292760). This variant is not present in population databases (gnomAD no frequency). This variant has not been reported in the literature in individuals affected with CHAT-related conditions. ClinVar contains an entry for this variant (Variation ID: 1069123). For these reasons, this variant has been classified as Pathogenic.

Baylor Genetics
Classification: Likely pathogenic for Familial infantile myasthenia. Last evaluated: 2023-12-12. Review status: criteria provided, single submitter. Criteria: ACMG Guidelines, 2015. Collection method: clinical testing. Allele origin: unknown.

Literature cited by the submitters: PubMed 12548525 (cited by Labcorp Genetics (formerly Invitae), Labcorp); PubMed 21786365 (cited by Labcorp Genetics (formerly Invitae), Labcorp); PubMed 23292760 (cited by Labcorp Genetics (formerly Invitae), Labcorp).

NM_020549.5(CHAT):c.472C>T (p.Gln158Ter)

Gene: CHAT (choline O-acetyltransferase; plus strand). Cytogenetic location: 10q11.23.
Variant type: single nucleotide variant.
Coding change: c.472C>T on transcript NM_020549.5 (MANE Select); coding-DNA position 472, C replaced by T.
Protein change: p.Gln158Ter; replaces glutamine 158 with a stop codon.
Molecular consequence: nonsense.
Genome position (GRCh38, 1-based): chr10:49,619,809, C>T. VCF-style: chr10-49619809-C-T. GRCh37 (hg19) VCF-style: chr10-50827855-C-T.
Other names: c.118C>T, p.Gln40Ter (NM_001142929.2, NM_001142934.2, NM_020984.4 and 2 more transcripts); c.226C>T, p.Gln76Ter (NM_001142933.2); short protein forms Q158*, Q40*, Q76*.
Identifiers: ClinVar variation 1069123 (VCV001069123.8), dbSNP rs1838635016, ClinGen allele CA376726866.
Genomic context (GRCh38, chr10:49,619,809, plus strand): 5'-CCGCTGCAGCAGACCCTGGCCACGTACCTGCAGTGCATGCGACACTTGGTGTCTGAGGAG[C>T]AGTTCAGGAAGAGCCAGGCCATTGTGCAGCAGTTTGGGGCCCCTGGTGGCCTCGGCGAGA-3'